The following is an entry in ClinVar:

NM_000059.4(BRCA2):c.1066T>A (p.Ser356Thr)

Gene: BRCA2 (BRCA2 DNA repair associated; plus strand). Cytogenetic location: 13q13.1.
Variant type: single nucleotide variant.
Coding change: c.1066T>A on transcript NM_000059.4 (MANE Select); coding-DNA position 1066, T replaced by A.
Protein change: p.Ser356Thr; replaces serine 356 with threonine.
Molecular consequence: missense variant.
Genome position (GRCh38, 1-based): chr13:32,332,544, T>A. VCF-style: chr13-32332544-T-A. GRCh37 (hg19) VCF-style: chr13-32906681-T-A.
Other names: S356T; 1294T>A.
Identifiers: ClinVar variation 91746 (VCV000091746.13), dbSNP rs398122722, ClinGen allele CA010729.
Genomic context (GRCh38, chr13:32,332,544, plus strand): 5'-GCAAACGCTGATGAATGTGAAAAATCTAAAAACCAAGTGAAAGAAAAATACTCATTTGTA[T>A]CTGAAGTGGAACCAAATGATACTGATCCATTAGATTCAAATGTAGCAAATCAGAAGCCCT-3'
Protein context (NP_000050.3, residues 346-366): NQVKEKYSFV[Ser356Thr]EVEPNDTDPL

ClinVar aggregate classification (germline): Conflicting classifications of pathogenicity. Review status: criteria provided, conflicting classifications (1 of 4 stars). 4 submissions from 4 submitters: Uncertain significance (2); Likely benign (1). 1 of the submissions does not count toward it. Last evaluated 2026-01-10.

Conditions:
Hereditary breast ovarian cancer syndrome. Also called: Breast and ovarian cancer; Hereditary breast and ovarian cancer; Hereditary breast and ovarian cancer syndrome; BRCA1- and BRCA2-Associated Hereditary Breast and Ovarian Cancer; Hereditary breast and ovarian cancer syndrome (HBOC); Hereditary breast and/or ovarian cancer syndrome. Identifiers: Orphanet 145, MedGen C0677776, MeSH D061325, MONDO:0003582. Disease mechanism: loss of function.
Hereditary cancer-predisposing syndrome. Also called: Tumor predisposition; Hereditary Cancer Syndrome; Neoplastic Syndromes, Hereditary; Hereditary neoplastic syndrome. Identifiers: Orphanet 140162, MedGen C0027672, MeSH D009386, MONDO:0015356.
Breast-ovarian cancer, familial, susceptibility to, 2 (BROVCA2). Also called: BRCA2 Hereditary Breast and Ovarian Cancer. Identifiers: Orphanet 145, MedGen C2675520, MONDO:0012933, OMIM 612555. Disease mechanism: loss of function.

Allele frequency attached by ClinVar (database versions not stated): gnomAD exomes below 0.00001.
gnomAD v4.1: 1 of 1,612,996 alleles (0.000062%); highest among the groups gnomAD compares: Admixed American, 0.0017%; no homozygotes.

Submissions (4):

Labcorp Genetics (formerly Invitae), Labcorp
Classification: Uncertain significance for Hereditary breast ovarian cancer syndrome. Last evaluated: 2026-01-10. Review status: criteria provided, single submitter. Criteria: Invitae Variant Classification Sherloc (09022015). Collection method: clinical testing. Allele origin: germline.
Comment: This sequence change replaces serine, which is neutral and polar, with threonine, which is neutral and polar, at codon 356 of the BRCA2 protein (p.Ser356Thr). This variant is present in population databases (rs398122722, gnomAD 0.003%). This variant has not been reported in the literature in individuals affected with BRCA2-related conditions. ClinVar contains an entry for this variant (Variation ID: 91746). Invitae Evidence Modeling of protein sequence and biophysical properties (such as structural, functional, and spatial information, amino acid conservation, physicochemical variation, residue mobility, and thermodynamic stability) indicates that this missense variant is not expected to disrupt BRCA2 protein function with a negative predictive value of 95%. In summary, the available evidence is currently insufficient to determine the role of this variant in disease. Therefore, it has been classified as a Variant of Uncertain Significance.

University of Washington Department of Laboratory Medicine, University of Washington
Classification: Likely benign for Hereditary cancer-predisposing syndrome. Last evaluated: 2023-03-23. Review status: criteria provided, single submitter. Criteria: Dines et al. (Genet Med. 2020). Collection method: curation. Allele origin: germline.
Comment: Missense variant in a coldspot region where missense variants are very unlikely to be pathogenic (PMID:31911673).

BRCA2 exon 10 coldspot. Reclassification based on statistical prior probability.

Women's Health and Genetics/Laboratory Corporation of America, LabCorp
Classification: Uncertain significance. Last evaluated: 2019-01-11. Review status: criteria provided, single submitter. Criteria: LabCorp Variant Classification Summary - May 2015. Collection method: clinical testing. Allele origin: germline.
Comment: Variant summary: BRCA2 c.1066T>A (p.Ser356Thr) results in a conservative amino acid change in the encoded protein sequence. Five of five in-silico tools predict a benign effect of the variant on protein function. The variant allele was found at a frequency of 4.1e-06 in 244914 control chromosomes (gnomAD). The available data on variant occurrences in the general population are insufficient to allow any conclusion about variant significance. To our knowledge, no occurrence of c.1066T>A in individuals affected with Hereditary Breast and Ovarian Cancer and no experimental evidence demonstrating its impact on protein function have been reported. No clinical diagnostic laboratories have submitted clinical-significance assessments for this variant to ClinVar after 2014. Based on the evidence outlined above, the variant was classified as uncertain significance.

Sharing Clinical Reports Project (SCRP)
Classification: Uncertain significance for Breast-ovarian cancer, familial 2. Last evaluated: 2006-08-03. Review status: no assertion criteria provided. Collection method: clinical testing. Allele origin: germline. Not counted in ClinVar's aggregate classification.